The following is an entry in ClinVar:

ClinVar aggregate classification (germline): Uncertain significance (1 of 4 stars; one submission).

Conditions:
Desbuquois dysplasia 1 (DBQD1). Also called: MICROMELIC DWARFISM WITH VERTEBRAL AND METAPHYSEAL ABNORMALITIES AND ADVANCED CARPOTARSAL OSSIFICATION; DESBUQUOIS DYSPLASIA 1, KIM VARIANT. Identifiers: Orphanet 1425, MedGen C4012146, MONDO:0009629, OMIM 251450.

Allele frequency attached by ClinVar (database versions not stated): ExAC 0.00002; gnomAD 0.00002; gnomAD exomes 0.00002; TOPMed 0.00002.
gnomAD v4.1: 27 of 1,614,044 alleles (0.0017%); highest among the groups gnomAD compares: Middle Eastern, 0.016%; no homozygotes.

Submission:

Labcorp Genetics (formerly Invitae), Labcorp
Classification: Uncertain significance for Desbuquois dysplasia 1. Last evaluated: 2021-08-08. Review status: criteria provided, single submitter. Criteria: Invitae Variant Classification Sherloc (09022015). Collection method: clinical testing. Allele origin: germline.
Comment: In summary, the available evidence is currently insufficient to determine the role of this variant in disease. Therefore, it has been classified as a Variant of Uncertain Significance. Algorithms developed to predict the effect of missense changes on protein structure and function are either unavailable or do not agree on the potential impact of this missense change (SIFT: "Tolerated"; PolyPhen-2: "Probably Damaging"; Align-GVGD: "Class C0"). This variant has not been reported in the literature in individuals affected with XYLT1-related conditions. This variant is present in population databases (rs779078093, ExAC 0.009%). This sequence change replaces asparagine with serine at codon 706 of the XYLT1 protein (p.Asn706Ser). The asparagine residue is highly conserved and there is a small physicochemical difference between asparagine and serine.

NM_022166.4(XYLT1):c.2117A>G (p.Asn706Ser)

Gene: XYLT1 (xylosyltransferase 1; minus strand). Cytogenetic location: 16p12.3.
Variant type: single nucleotide variant.
Coding change: c.2117A>G on transcript NM_022166.4 (MANE Select); coding-DNA position 2117, A replaced by G.
Protein change: p.Asn706Ser; replaces asparagine 706 with serine.
Molecular consequence: missense variant.
Genome position (GRCh38, 1-based): chr16:17,127,772, T>C on the plus strand (A>G on the coding strand, the complement: XYLT1 is on the minus strand). VCF-style: chr16-17127772-T-C. GRCh37 (hg19) VCF-style: chr16-17221629-T-C.
Other names: short protein forms N706S.
Identifiers: ClinVar variation 1434872 (VCV001434872.6), dbSNP rs779078093, ClinGen allele CA7927661.